The following is an entry in ClinVar:

ClinVar aggregate classification (germline): Likely benign. Review status: criteria provided, multiple submitters, no conflicts (2 of 4 stars). 2 submissions from 2 submitters: Likely benign (2). Last evaluated 2025-05-01.

Submissions (2):

CeGaT Center for Human Genetics Tuebingen
Classification: Likely benign. Last evaluated: 2025-05-01. Review status: criteria provided, single submitter. Criteria: CeGaT Center For Human Genetics Tuebingen Variant Classification Criteria Version 2. Collection method: clinical testing. Allele origin: germline. Affected: yes. Observed: 1 variant allele.
Comment: SLC34A3: BP4, BP7

Labcorp Genetics (formerly Invitae), Labcorp
Classification: Likely benign. Last evaluated: 2024-02-06. Review status: criteria provided, single submitter. Criteria: Invitae Variant Classification Sherloc (09022015). Collection method: clinical testing. Allele origin: germline.

NM_001177316.2(SLC34A3):c.870C>T (p.Gly290=)

Gene: SLC34A3 (solute carrier family 34 member 3; plus strand). Cytogenetic location: 9q34.3.
Variant type: single nucleotide variant.
Coding change: c.870C>T on transcript NM_001177316.2 (MANE Select); coding-DNA position 870, C replaced by T.
Protein change: p.Gly290=; no amino-acid change (glycine 290 retained).
Molecular consequence: synonymous variant.
Genome position (GRCh38, 1-based): chr9:137,233,886, C>T. VCF-style: chr9-137233886-C-T. GRCh37 (hg19) VCF-style: chr9-140128338-C-T.
Other names: c.870C>T, p.Gly290= (NM_001177317.2, NM_080877.3).
Identifiers: ClinVar variation 1919091 (VCV001919091.15), dbSNP rs747540875, ClinGen allele CA5364639.
Genomic context (GRCh38, chr9:137,233,886, plus strand): 5'-CACTGAGCCTGTCCTGAGTCCTCCCTGCCCTCCCCAGACCCAGGAGAACAGCAGCTGTGG[C>T]GCCTTCGGCCCGTGCACAGAGAAGAACAGCACAGCCCCGGCGGACAGGCTGCCCTGTGAG-3'
Protein context (NP_001170787.2, residues 280-300): GQPTQENSSC[Gly290=]AFGPCTEKNS